The following is an entry in ClinVar:

ClinVar aggregate classification (germline): Uncertain significance. Review status: criteria provided, multiple submitters, no conflicts (2 of 4 stars). 3 submissions from 3 submitters: Uncertain significance (3). Last evaluated 2023-12-14.

Conditions:
Charcot-Marie-Tooth disease axonal type 2O. Also called: Charcot-Marie-Tooth disease, axonal, type 20; CHARCOT-MARIE-TOOTH NEUROPATHY, AXONAL, TYPE 2O; CHARCOT-MARIE-TOOTH DISEASE, AXONAL, AUTOSOMAL DOMINANT, TYPE 2O; Charcot-Marie-Tooth Neuropathy Type 2O. Identifiers: Orphanet 284232, MedGen C3280220, MONDO:0013644, OMIM 614228.
Inborn genetic diseases. Identifiers: MedGen C0950123, MeSH D030342.

Submissions (3):

Labcorp Genetics (formerly Invitae), Labcorp
Classification: Uncertain significance for Charcot-Marie-Tooth disease axonal type 2O. Last evaluated: 2023-12-14. Review status: criteria provided, single submitter. Criteria: Invitae Variant Classification Sherloc (09022015). Collection method: clinical testing. Allele origin: germline.
Comment: This sequence change replaces alanine, which is neutral and non-polar, with serine, which is neutral and polar, at codon 2240 of the DYNC1H1 protein (p.Ala2240Ser). This variant is not present in population databases (gnomAD no frequency). This variant has not been reported in the literature in individuals affected with DYNC1H1-related conditions. ClinVar contains an entry for this variant (Variation ID: 2336871). Advanced modeling of protein sequence and biophysical properties (such as structural, functional, and spatial information, amino acid conservation, physicochemical variation, residue mobility, and thermodynamic stability) has been performed at Invitae for this missense variant, however the output from this modeling did not meet the statistical confidence thresholds required to predict the impact of this variant on DYNC1H1 protein function. In summary, the available evidence is currently insufficient to determine the role of this variant in disease. Therefore, it has been classified as a Variant of Uncertain Significance.

Ambry Genetics
Classification: Uncertain significance for Inborn genetic diseases. Last evaluated: 2022-12-19. Review status: criteria provided, single submitter. Criteria: Ambry Variant Classification Scheme 2023. Collection method: clinical testing. Allele origin: germline.

Blueprint Genetics
Classification: Uncertain significance. Last evaluated: 2020-03-05. Review status: criteria provided, single submitter. Criteria: ACMG Guidelines, 2015. Collection method: clinical testing. Allele origin: germline.

NM_001376.5(DYNC1H1):c.6718G>T (p.Ala2240Ser)

Gene: DYNC1H1 (dynein cytoplasmic 1 heavy chain 1; plus strand). Cytogenetic location: 14q32.31.
Variant type: single nucleotide variant.
Coding change: c.6718G>T on transcript NM_001376.5 (MANE Select); coding-DNA position 6718, G replaced by T.
Protein change: p.Ala2240Ser; replaces alanine 2240 with serine.
Molecular consequence: missense variant.
Genome position (GRCh38, 1-based): chr14:102,011,974, G>T. VCF-style: chr14-102011974-G-T. GRCh37 (hg19) VCF-style: chr14-102478311-G-T.
Other names: short protein forms A2240S.
Identifiers: ClinVar variation 2336871 (VCV002336871.6), dbSNP rs2503756544, ClinGen allele CA391057463.